The following is an entry in ClinVar:

ClinVar aggregate classification (germline): Uncertain significance. Review status: criteria provided, multiple submitters, no conflicts (2 of 4 stars). 2 submissions from 2 submitters: Uncertain significance (2). Last evaluated 2025-09-01.

Conditions:
Inborn genetic diseases. Identifiers: MedGen C0950123, MeSH D030342.

gnomAD v4.1: 3 of 1,613,918 alleles (0.00019%); highest among the groups gnomAD compares: Non-Finnish European, 0.00025%; no homozygotes.

Submissions (2):

Ambry Genetics
Classification: Uncertain significance for Inborn genetic diseases. Last evaluated: 2025-09-01. Review status: criteria provided, single submitter. Criteria: Ambry Variant Classification Scheme 2023. Collection method: clinical testing. Allele origin: germline.
Comment: The p.T299S variant (also known as c.895A>T), located in coding exon 3 of the MBD4 gene, results from an A to T substitution at nucleotide position 895. The threonine at codon 299 is replaced by serine, an amino acid with similar properties. This amino acid position is conserved. In addition, this alteration is predicted to be tolerated by in silico analysis. Based on the available evidence, the clinical significance of this variant remains unclear.

Labcorp Genetics (formerly Invitae), Labcorp
Classification: Uncertain significance. Last evaluated: 2025-05-05. Review status: criteria provided, single submitter. Criteria: Invitae Variant Classification Sherloc (09022015). Collection method: clinical testing. Allele origin: germline.
Comment: This sequence change replaces threonine, which is neutral and polar, with serine, which is neutral and polar, at codon 299 of the MBD4 protein (p.Thr299Ser). This variant is not present in population databases (gnomAD no frequency). This variant has not been reported in the literature in individuals affected with MBD4-related conditions. An algorithm developed to predict the effect of missense changes on protein structure and function (PolyPhen-2) suggests that this variant is likely to be tolerated. In summary, the available evidence is currently insufficient to determine the role of this variant in disease. Therefore, it has been classified as a Variant of Uncertain Significance.

NM_001276270.2(MBD4):c.895A>T (p.Thr299Ser)

Gene: MBD4 (methyl-CpG binding domain 4, DNA glycosylase; minus strand). Cytogenetic location: 3q21.3.
Variant type: single nucleotide variant.
Coding change: c.895A>T on transcript NM_001276270.2 (MANE Select); coding-DNA position 895, A replaced by T.
Protein change: p.Thr299Ser; replaces threonine 299 with serine.
Molecular consequence: missense variant. On other transcripts: intron variant (1).
Genome position (GRCh38, 1-based): chr3:129,436,749, T>A on the plus strand (A>T on the coding strand, the complement: MBD4 is on the minus strand). VCF-style: chr3-129436749-T-A. GRCh37 (hg19) VCF-style: chr3-129155592-T-A.
Other names: c.895A>T, p.Thr299Ser (NM_001276271.2, NM_001276272.2, NM_003925.3); c.247+1059A>T (NM_001276273.2); short protein forms T299S.
Identifiers: ClinVar variation 4104675 (VCV004104675.2).